The following is an entry in ClinVar:

NM_015202.5(KATNIP):c.4551+2T>A

Gene: KATNIP (katanin interacting protein; plus strand). Cytogenetic location: 16p12.1.
Variant type: single nucleotide variant.
Coding change: c.4551+2T>A on transcript NM_015202.5 (MANE Select); the canonical splice donor site of the intron after coding-DNA position 4551, T replaced by A.
Molecular consequence: splice donor variant.
Genome position (GRCh38, 1-based): chr16:27,777,031, T>A. VCF-style: chr16-27777031-T-A. GRCh37 (hg19) VCF-style: chr16-27788352-T-A.
Identifiers: ClinVar variation 2750529 (VCV002750529.3), dbSNP rs2082523921, ClinGen allele CA395331908.

ClinVar aggregate classification (germline): Likely pathogenic (1 of 4 stars; one submission).

Submission:

Labcorp Genetics (formerly Invitae), Labcorp
Classification: Likely pathogenic. Last evaluated: 2023-08-16. Review status: criteria provided, single submitter. Criteria: Invitae Variant Classification Sherloc (09022015). Collection method: clinical testing. Allele origin: germline.
Comment: In summary, the currently available evidence indicates that the variant is pathogenic, but additional data are needed to prove that conclusively. Therefore, this variant has been classified as Likely Pathogenic. Algorithms developed to predict the effect of sequence changes on RNA splicing suggest that this variant may disrupt the consensus splice site. This variant has not been reported in the literature in individuals affected with KIAA0556-related conditions. This variant is not present in population databases (gnomAD no frequency). This sequence change affects a donor splice site in intron 25 of the KIAA0556 gene. It is expected to disrupt RNA splicing. Variants that disrupt the donor or acceptor splice site typically lead to a loss of protein function (PMID: 16199547), and loss-of-function variants in KIAA0556 are known to be pathogenic (PMID: 26714646, 27245168).

Literature cited by the submitters: PubMed 16199547; PubMed 26714646; PubMed 27245168.